The following is an entry in ClinVar:

ClinVar aggregate classification (germline): Uncertain significance (1 of 4 stars; one submission).

Conditions:
Purine-nucleoside phosphorylase deficiency. Also called: Immunodeficiency due to purine nucleoside phosphorylase deficiency; NUCLEOSIDE PHOSPHORYLASE DEFICIENCY. Identifiers: Orphanet 760, MedGen C0268125, MONDO:0013171, OMIM 613179.

Submission:

Labcorp Genetics (formerly Invitae), Labcorp
Classification: Uncertain significance for Purine-nucleoside phosphorylase deficiency. Last evaluated: 2024-02-23. Review status: criteria provided, single submitter. Criteria: Invitae Variant Classification Sherloc (09022015). Collection method: clinical testing. Allele origin: germline.
Comment: This sequence change falls in intron 5 of the PNP gene. It does not directly change the encoded amino acid sequence of the PNP protein. This variant is not present in population databases (gnomAD no frequency). This variant has not been reported in the literature in individuals affected with PNP-related conditions. Experimental studies and prediction algorithms are not available or were not evaluated, and the effect of this variant on mRNA splicing is currently unknown. In summary, the available evidence is currently insufficient to determine the role of this variant in disease. Therefore, it has been classified as a Variant of Uncertain Significance.

NM_000270.4(PNP):c.652+9_652+25del

Gene: PNP (purine nucleoside phosphorylase; plus strand). Cytogenetic location: 14q11.2.
Variant type: Deletion.
Coding change: c.652+9_652+25del on transcript NM_000270.4 (MANE Select); bases 9 to 25 of the intron after coding-DNA position 652, 17 bases deleted (GGGAATTTGGCTGGAAG).
Molecular consequence: intron variant.
Genome position (GRCh38, 1-based): chr14:20,475,261-20,475,277, GGGAATTTGGCTGGAAG deleted; deleting any 17 consecutive bases within chr14:20,475,257-20,475,277 gives the same sequence; the c. name uses the placement nearest the transcript's 3' end. VCF-style (leftmost placement, unchanged base first): chr14-20475256-AGAAGGGGAATTTGGCTG-A. GRCh37 (hg19) VCF-style: chr14-20943415-AGAAGGGGAATTTGGCTG-A.
Identifiers: ClinVar variation 3642978 (VCV003642978.2).